The following is an entry in ClinVar:

ClinVar aggregate classification (germline): Uncertain significance (1 of 4 stars; one submission).

gnomAD v4.1: 4 of 1,614,032 alleles (0.00025%); highest among the groups gnomAD compares: South Asian, 0.0044%; no homozygotes.

Submission:

Ambry Genetics
Classification: Uncertain significance. Last evaluated: 2024-05-17. Review status: criteria provided, single submitter. Criteria: Ambry Variant Classification Scheme 2023. Collection method: clinical testing. Allele origin: germline.
Comment: The p.M508T variant (also known as c.1523T>C), located in coding exon 3 of the ALPK2 gene, results from a T to C substitution at nucleotide position 1523. The methionine at codon 508 is replaced by threonine, an amino acid with similar properties. This amino acid position is conserved. In addition, this alteration is predicted to be tolerated by in silico analysis. Based on the available evidence, the clinical significance of this variant remains unclear.

NM_052947.4(ALPK2):c.1523T>C (p.Met508Thr)

Gene: ALPK2 (alpha kinase 2; minus strand). Cytogenetic location: 18q21.31.
Variant type: single nucleotide variant.
Coding change: c.1523T>C on transcript NM_052947.4 (MANE Select); coding-DNA position 1523, T replaced by C.
Protein change: p.Met508Thr; replaces methionine 508 with threonine.
Molecular consequence: missense variant.
Genome position (GRCh38, 1-based): chr18:58,579,253, A>G on the plus strand (T>C on the coding strand, the complement: ALPK2 is on the minus strand). VCF-style: chr18-58579253-A-G. GRCh37 (hg19) VCF-style: chr18-56246485-A-G.
Other names: short protein forms M508T.
Identifiers: ClinVar variation 3289038 (VCV003289038.1).
Genomic context (GRCh38, chr18:58,579,253, plus strand): 5'-TTGCTCCATAAGTCCTTTCCCCCCACTCTCTTGTCAGCTGCCGTCTCCCAACACTGGCTC[A>G]TCCCTGAGTTTTCTGACTCACCAGACAAGAGCTTCATCTCTGTCTCTCTTACTGATTCAT-3'
Protein context (NP_443179.3, residues 498-518): LLSGESENSG[Met508Thr]SQCWETAADK